The following is an entry in ClinVar:

ClinVar aggregate classification (germline): Uncertain significance. Review status: criteria provided, multiple submitters, no conflicts (2 of 4 stars). 3 submissions from 3 submitters: Uncertain significance (3). Last evaluated 2025-04-01.

Conditions:
Inborn genetic diseases. Identifiers: MedGen C0950123, MeSH D030342.
Landau-Kleffner syndrome (FESD). Also called: APHASIA, ACQUIRED, WITH EPILEPSY; EPILEPSY, FOCAL, WITH SPEECH DISORDER AND WITH OR WITHOUT MENTAL RETARDATION. Identifiers: Orphanet 1945, Orphanet 725, Orphanet 98818, MedGen C0282512, MONDO:0009509, OMIM 245570.

Allele frequency attached by ClinVar (database versions not stated): gnomAD 0.00001; TOPMed 0.00002.
gnomAD v4.1: 5 of 1,614,030 alleles (0.00031%); highest among the groups gnomAD compares: Admixed American, 0.0017%; no homozygotes.

Submissions (3):

Labcorp Genetics (formerly Invitae), Labcorp
Classification: Uncertain significance for Landau-Kleffner syndrome. Last evaluated: 2025-04-01. Review status: criteria provided, single submitter. Criteria: Invitae Variant Classification Sherloc (09022015). Collection method: clinical testing. Allele origin: germline.
Comment: This sequence change replaces asparagine, which is neutral and polar, with lysine, which is basic and polar, at codon 959 of the GRIN2A protein (p.Asn959Lys). This variant is present in population databases (no rsID available, gnomAD 0.0009%). This variant has not been reported in the literature in individuals affected with GRIN2A-related conditions. ClinVar contains an entry for this variant (Variation ID: 1026807). Invitae Evidence Modeling of protein sequence and biophysical properties (such as structural, functional, and spatial information, amino acid conservation, physicochemical variation, residue mobility, and thermodynamic stability) indicates that this missense variant is not expected to disrupt GRIN2A protein function with a negative predictive value of 95%. In summary, the available evidence is currently insufficient to determine the role of this variant in disease. Therefore, it has been classified as a Variant of Uncertain Significance.

Ambry Genetics
Classification: Uncertain significance for Inborn genetic diseases. Last evaluated: 2024-11-14. Review status: criteria provided, single submitter. Criteria: Ambry Variant Classification Scheme 2023. Collection method: clinical testing. Allele origin: germline.

Laboratorio de Genetica e Diagnostico Molecular, Hospital Israelita Albert Einstein
Classification: Uncertain significance for Landau-Kleffner syndrome. Last evaluated: 2022-09-26. Review status: criteria provided, single submitter. Criteria: ACMG Guidelines, 2015. Collection method: clinical testing. Allele origin: germline. Affected: yes. Observed: 1 variant allele.
Comment: ACMG classification criteria: PM2 supporting, BP4 supporting

NM_001134407.3(GRIN2A):c.2877C>G (p.Asn959Lys)

Gene: GRIN2A (glutamate ionotropic receptor NMDA type subunit 2A; minus strand). Cytogenetic location: 16p13.2.
Variant type: single nucleotide variant.
Coding change: c.2877C>G on transcript NM_001134407.3 (MANE Select); coding-DNA position 2877, C replaced by G.
Protein change: p.Asn959Lys; replaces asparagine 959 with lysine.
Molecular consequence: missense variant.
Genome position (GRCh38, 1-based): chr16:9,764,667, G>C on the plus strand (C>G on the coding strand, the complement: GRIN2A is on the minus strand). VCF-style: chr16-9764667-G-C. GRCh37 (hg19) VCF-style: chr16-9858524-G-C.
Other names: c.2877C>G, p.Asn959Lys (NM_000833.5, NM_001134408.2); c.2877C>G (NM_000833.3); short protein forms N959K.
Identifiers: ClinVar variation 1026807 (VCV001026807.11), dbSNP rs756576680, ClinGen allele CA394709156.